The following is an entry in ClinVar:

NM_000046.5(ARSB):c.1515C>T (p.Tyr505=)

Gene: ARSB (arylsulfatase B; minus strand). Cytogenetic location: 5q14.1.
Variant type: single nucleotide variant.
Coding change: c.1515C>T on transcript NM_000046.5 (MANE Select); coding-DNA position 1515, C replaced by T.
Protein change: p.Tyr505=; no amino-acid change (tyrosine 505 retained).
Molecular consequence: synonymous variant.
Genome position (GRCh38, 1-based): chr5:78,780,484, G>A on the plus strand (C>T on the coding strand, the complement: ARSB is on the minus strand). VCF-style: chr5-78780484-G-A. GRCh37 (hg19) VCF-style: chr5-78076307-G-A.
Identifiers: ClinVar variation 559720 (VCV000559720.1), dbSNP rs1554069663, ClinGen allele CA445400357.

ClinVar aggregate classification (germline): Uncertain significance (1 of 4 stars; one submission).

Conditions:
Mucopolysaccharidosis type 6 (MPS6). Also called: N-ACETYLGALACTOSAMINE-4-SULFATASE DEFICIENCY; MPS VI; MPS 6; Maroteaux Lamy syndrome; ARSB DEFICIENCY; ARYLSULFATASE B DEFICIENCY. Identifiers: Orphanet 583, MedGen C0026709, MONDO:0009661, OMIM 253200.

Submission:

Laboratory of Diagnosis and Therapy of Lysosomal Disorders, University of Padova
Classification: Uncertain significance for Mucopolysaccharidosis type 6. Last evaluated: 2018-01-01. Review status: criteria provided, single submitter. Criteria: ACMG Guidelines, 2015. Collection method: curation. Allele origin: germline. Affected: yes.
Comment: Absent from GnomAD (PM2)

Literature cited by the submitters: PubMed 17458871; PubMed 30118150.